The following is an entry in ClinVar:

ClinVar aggregate classification (germline): Uncertain significance. Review status: criteria provided, multiple submitters, no conflicts (2 of 4 stars). 3 submissions from 3 submitters: Uncertain significance (3). Last evaluated 2026-05-22.

Conditions:
Dyskeratosis congenita, autosomal dominant 6 (DKCA6). Identifiers: Orphanet 3322, MedGen C4225284, MONDO:0014690, OMIM 616553.
ACD-related disorder. Also called: ACD-related condition.
Inborn genetic diseases. Identifiers: MedGen C0950123, MeSH D030342.

Submissions (3):

PreventionGenetics, part of Exact Sciences
Classification: Uncertain significance for ACD-related condition. Last evaluated: 2026-05-22. Review status: criteria provided, single submitter. Criteria: ACMG Guidelines, 2015. Collection method: clinical testing. Allele origin: germline.
Comment: The ACD c.1469C>T variant is predicted to result in the amino acid substitution p.Pro490Leu. To our knowledge, this variant has not been reported in the literature. This variant is reported in 0.0065% of alleles in individuals of European (Non-Finnish) descent in gnomAD. At this time, the clinical significance of this variant is uncertain due to the absence of conclusive functional and genetic evidence.

Ambry Genetics
Classification: Uncertain significance for Inborn genetic diseases. Last evaluated: 2023-10-06. Review status: criteria provided, single submitter. Criteria: Ambry Variant Classification Scheme 2023. Collection method: clinical testing. Allele origin: germline.
Comment: The p.P490L variant (also known as c.1469C>T), located in coding exon 11 of the ACD gene, results from a C to T substitution at nucleotide position 1469. The proline at codon 490 is replaced by leucine, an amino acid with similar properties. This amino acid position is conserved. In addition, this alteration is predicted to be tolerated by in silico analysis. Since supporting evidence is limited at this time, the clinical significance of this alteration remains unclear.

Labcorp Genetics (formerly Invitae), Labcorp
Classification: Uncertain significance for Dyskeratosis congenita, autosomal dominant 6. Last evaluated: 2022-07-26. Review status: criteria provided, single submitter. Criteria: Invitae Variant Classification Sherloc (09022015). Collection method: clinical testing. Allele origin: germline.
Comment: In summary, the available evidence is currently insufficient to determine the role of this variant in disease. Therefore, it has been classified as a Variant of Uncertain Significance. Algorithms developed to predict the effect of missense changes on protein structure and function are either unavailable or do not agree on the potential impact of this missense change (SIFT: "Deleterious"; PolyPhen-2: "Probably Damaging"; Align-GVGD: "Class C0"). ClinVar contains an entry for this variant (Variation ID: 969534). This variant has not been reported in the literature in individuals affected with ACD-related conditions. This variant is present in population databases (no rsID available, gnomAD 0.007%). This sequence change replaces proline, which is neutral and non-polar, with leucine, which is neutral and non-polar, at codon 490 of the ACD protein (p.Pro490Leu).

NM_001082486.2(ACD):c.1211C>T (p.Pro404Leu)

Gene: ACD (ACD shelterin complex subunit and telomerase recruitment factor; minus strand). Cytogenetic location: 16q22.1.
Variant type: single nucleotide variant.
Coding change: c.1211C>T on transcript NM_001082486.2 (MANE Select); coding-DNA position 1211, C replaced by T.
Protein change: p.Pro404Leu; replaces proline 404 with leucine.
Molecular consequence: missense variant.
Genome position (GRCh38, 1-based): chr16:67,657,849, G>A on the plus strand (C>T on the coding strand, the complement: ACD is on the minus strand). VCF-style: chr16-67657849-G-A. GRCh37 (hg19) VCF-style: chr16-67691752-G-A.
Other names: c.1202C>T, p.Pro401Leu (NM_022914.3); short protein forms P401L, P404L.
Identifiers: ClinVar variation 969534 (VCV000969534.12), dbSNP rs201907421, ClinGen allele CA396350063.